The following is an entry in ClinVar:

NM_018646.6(TRPV6):c.311dup (p.Leu104fs)

Gene: TRPV6 (transient receptor potential cation channel subfamily V member 6; minus strand). Cytogenetic location: 7q34.
Variant type: Duplication.
Coding change: c.311dup on transcript NM_018646.6 (MANE Select); coding-DNA position 311, one base duplicated (T; older notation c.311dupT).
Protein change: p.Leu104fs; shifts the reading frame from leucine 104.
Molecular consequence: frameshift variant.
Genome position (GRCh38, 1-based): chr7:142,877,964, A duplicated on the plus strand (T on the coding strand, the reverse complement: TRPV6 is on the minus strand); the first of 2 consecutive A bases (chr7:142,877,964-142,877,965); duplicating either gives the same sequence. VCF-style (leftmost placement, unchanged base first): chr7-142877963-C-CA. GRCh37 (hg19) VCF-style: chr7-142575716-C-CA.
Other names: short protein forms L104fs.
Identifiers: ClinVar variation 4799602 (VCV004799602.1).

ClinVar aggregate classification (germline): Pathogenic (1 of 4 stars; one submission).

Submission:

Labcorp Genetics (formerly Invitae), Labcorp
Classification: Pathogenic. Last evaluated: 2025-09-16. Review status: criteria provided, single submitter. Criteria: Invitae Variant Classification Sherloc (09022015). Collection method: clinical testing. Allele origin: germline.
Comment: This sequence change creates a premature translational stop signal (p.Leu104Phefs*5) in the TRPV6 gene. It is expected to result in an absent or disrupted protein product. Loss-of-function variants in TRPV6 are known to be pathogenic (PMID: 29861107, 30144375). This variant is not present in population databases (gnomAD no frequency). This variant has not been reported in the literature in individuals affected with TRPV6-related conditions. Algorithms developed to predict the effect of sequence changes on RNA splicing suggest that this variant may disrupt the consensus splice site. For these reasons, this variant has been classified as Pathogenic.

Literature cited by the submitters: PubMed 29861107; PubMed 30144375.